The following is an entry in ClinVar:

NM_000260.4(MYO7A):c.813C>T (p.Gly271=)

Gene: MYO7A (myosin VIIA; plus strand). Cytogenetic location: 11q13.5.
Variant type: single nucleotide variant.
Coding change: c.813C>T on transcript NM_000260.4 (MANE Select); coding-DNA position 813, C replaced by T.
Protein change: p.Gly271=; no amino-acid change (glycine 271 retained).
Molecular consequence: synonymous variant.
Genome position (GRCh38, 1-based): chr11:77,157,356, C>T. VCF-style: chr11-77157356-C-T. GRCh37 (hg19) VCF-style: chr11-76868402-C-T.
Other names: c.813C>T, p.Gly271= (NM_001127180.2); c.780C>T, p.Gly260= (NM_001369365.1).
Identifiers: ClinVar variation 882559 (VCV000882559.14), dbSNP rs781810349, ClinGen allele CA6197256.

ClinVar aggregate classification (germline): Conflicting classifications of pathogenicity. Review status: criteria provided, conflicting classifications (1 of 4 stars). 5 submissions from 3 submitters: Uncertain significance (2); Likely benign (3). Last evaluated 2024-11-23.

Conditions:
Autosomal recessive nonsyndromic hearing loss 2. Also called: NEUROSENSORY NONSYNDROMIC RECESSIVE DEAFNESS 2; DEAFNESS, AUTOSOMAL RECESSIVE 2. Identifiers: Orphanet 90636, MedGen C1838701, MONDO:0010807, OMIM 600060.
Usher syndrome type 1 (USH1). Also called: RETINITIS PIGMENTOSA AND CONGENITAL DEAFNESS. Identifiers: Orphanet 231169, Orphanet 886, MedGen C1568247, MONDO:0010168, OMIM 276900.
Autosomal dominant nonsyndromic hearing loss 11. Identifiers: Orphanet 90635, MedGen C1832475, MONDO:0011032, OMIM 601317.

Allele frequency attached by ClinVar (database versions not stated): TOPMed 0.00001; gnomAD exomes 0.00004 and 0.00018; ExAC 0.00045.
gnomAD v4.1: 71 of 1,611,414 alleles (0.0044%); highest among the groups gnomAD compares: Non-Finnish European, 0.0044%; no homozygotes.

Submissions (5):

Blueprint Genetics
Classification: Likely benign. Last evaluated: 2024-11-23. Review status: criteria provided, single submitter. Criteria: ACMG Guidelines, 2015. Collection method: clinical testing. Allele origin: germline.

Labcorp Genetics (formerly Invitae), Labcorp
Classification: Likely benign. Last evaluated: 2024-01-10. Review status: criteria provided, single submitter. Criteria: Invitae Variant Classification Sherloc (09022015). Collection method: clinical testing. Allele origin: germline.

Illumina Laboratory Services, Illumina
Classification: Uncertain significance for Autosomal recessive nonsyndromic hearing loss 2. Last evaluated: 2018-01-13. Review status: criteria provided, single submitter. Criteria: ICSL Variant Classification Criteria 13 December 2019. Collection method: clinical testing. Allele origin: germline.

Illumina Laboratory Services, Illumina
Classification: Uncertain significance for Usher syndrome type 1. Last evaluated: 2018-01-13. Review status: criteria provided, single submitter. Criteria: ICSL Variant Classification Criteria 13 December 2019. Collection method: clinical testing. Allele origin: germline.

Illumina Laboratory Services, Illumina
Classification: Likely benign for Autosomal dominant nonsyndromic hearing loss 11. Last evaluated: 2018-01-13. Review status: criteria provided, single submitter. Criteria: ICSL Variant Classification Criteria 13 December 2019. Collection method: clinical testing. Allele origin: germline.
Comment: This variant was observed in the ICSL laboratory as part of a predisposition screen in an ostensibly healthy population. It had not been previously curated by ICSL or reported in the Human Gene Mutation Database (HGMD: prior to June 1st, 2018), and was therefore a candidate for classification through an automated scoring system. Utilizing variant allele frequency, disease prevalence and penetrance estimates, and inheritance mode, an automated score was calculated to assess if this variant is too frequent to cause the disease. Based on the score and internal cut-off values, a variant classified as likely benign is not then subjected to further curation. The score for this variant resulted in a classification of likely benign for this disease.